The following is an entry in ClinVar:

NM_000152.5(GAA):c.197G>A (p.Arg66Gln)

Gene: GAA (alpha glucosidase; plus strand). Cytogenetic location: 17q25.3.
Variant type: single nucleotide variant.
Coding change: c.197G>A on transcript NM_000152.5 (MANE Select); coding-DNA position 197, G replaced by A.
Protein change: p.Arg66Gln; replaces arginine 66 with glutamine.
Molecular consequence: missense variant.
Genome position (GRCh38, 1-based): chr17:80,104,783, G>A. VCF-style: chr17-80104783-G-A. GRCh37 (hg19) VCF-style: chr17-78078582-G-A.
Other names: c.197G>A (LRG_673t1); c.197G>A, p.Arg66Gln (NM_001079803.3, NM_001079804.3); short protein forms R66Q.
Identifiers: ClinVar variation 325775 (VCV000325775.21), dbSNP rs200202628, ClinGen allele CA8814804.

ClinVar aggregate classification (germline): Conflicting classifications of pathogenicity. Review status: criteria provided, conflicting classifications (1 of 4 stars). 9 submissions from 9 submitters: Uncertain significance (6); Likely benign (2). 1 of the submissions does not count toward it. Last evaluated 2025-09-02.

Conditions:
Cardiovascular phenotype. Identifiers: MedGen CN230736.
Cardiomyopathy (CMYO). Also called: Cardiomyopathies. Identifiers: Orphanet 167848, MedGen C0878544, MONDO:0004994, HP:0001638. Inheritance: Various modes of inheritance.
Glycogen storage disease, type II (IOPD). Also called: CARDIOMEGALIA GLYCOGENICA DIFFUSA; GLYCOGENOSIS, GENERALIZED, CARDIAC FORM; GSD II; Glycogen storage disease type 2; Acid maltase deficiency disease; Aglucosidase alfa. Identifiers: Orphanet 365, MedGen C0017921, MONDO:0009290, OMIM 232300.

Allele frequency attached by ClinVar (database versions not stated): ExAC 0.00003; gnomAD exomes 0.00005 and 0.00008; gnomAD 0.00006 and 0.00007; ESP Exome Variant Server 0.00008; TOPMed 0.00008; 1000 Genomes Project 30x 0.00031.
gnomAD v4.1: 139 of 1,611,530 alleles (0.0086%); highest among the groups gnomAD compares: Admixed American, 0.017%; no homozygotes.

Submissions (9):

Ambry Genetics
Classification: Likely benign for Cardiovascular phenotype. Last evaluated: 2025-09-02. Review status: criteria provided, single submitter. Criteria: Ambry Variant Classification Scheme 2023. Collection method: clinical testing. Allele origin: germline.

Revvity Omics, Revvity
Classification: Uncertain significance. Last evaluated: 2024-09-19. Review status: criteria provided, single submitter. Criteria: ACMG Guidelines, 2015. Collection method: clinical testing. Allele origin: germline.

GeneDx
Classification: Uncertain significance. Last evaluated: 2024-05-02. Review status: criteria provided, single submitter. Criteria: GeneDx Variant Classification Process June 2021. Collection method: clinical testing. Allele origin: germline. Affected: yes.
Comment: In silico analysis indicates that this missense variant does not alter protein structure/function; Has not been previously published as pathogenic or benign to our knowledge; This variant is associated with the following publications: (PMID: 22253258)

ARUP Laboratories, Molecular Genetics and Genomics, ARUP Laboratories
Classification: Uncertain significance for Glycogen storage disease, type II. Last evaluated: 2024-01-11. Review status: criteria provided, single submitter. Criteria: ARUP Molecular Germline Variant Investigation Process 2024. Collection method: clinical testing. Allele origin: germline.
Comment: The GAA c.197G>A; p.Arg66Gln variant (rs200202628), to our knowledge, is not reported in the medical literature but is reported in ClinVar (Variation ID: 325775). This variant is observed in the general population with an overall allele frequency of 0.005% (13/275966 alleles) in the Genome Aggregation Database (v2.1.1). Computational analyses are uncertain whether this variant is neutral or deleterious (REVEL: 0.331). Due to limited information, the clinical significance of this variant is uncertain at this time.

Labcorp Genetics (formerly Invitae), Labcorp
Classification: Uncertain significance for Glycogen storage disease, type II. Last evaluated: 2022-07-27. Review status: criteria provided, single submitter. Criteria: Invitae Variant Classification Sherloc (09022015). Collection method: clinical testing. Allele origin: germline.
Comment: This sequence change replaces arginine, which is basic and polar, with glutamine, which is neutral and polar, at codon 66 of the GAA protein (p.Arg66Gln). This variant is present in population databases (rs200202628, gnomAD 0.02%). This variant has not been reported in the literature in individuals affected with GAA-related conditions. ClinVar contains an entry for this variant (Variation ID: 325775). Advanced modeling of protein sequence and biophysical properties (such as structural, functional, and spatial information, amino acid conservation, physicochemical variation, residue mobility, and thermodynamic stability) performed at Invitae indicates that this missense variant is not expected to disrupt GAA protein function. In summary, the available evidence is currently insufficient to determine the role of this variant in disease. Therefore, it has been classified as a Variant of Uncertain Significance.

Genome-Nilou Lab
Classification: Uncertain significance for Glycogen storage disease, type II. Last evaluated: 2021-07-22. Review status: criteria provided, single submitter. Criteria: ACMG Guidelines, 2015. Collection method: clinical testing. Allele origin: germline. Affected: no.

Broad Center for Mendelian Genomics, Broad Institute of MIT and Harvard
Classification: Uncertain significance for Glycogen storage disease, type II. Last evaluated: 2020-01-22. Review status: criteria provided, single submitter. Criteria: ACMG Guidelines, 2015. Collection method: curation. Allele origin: germline. Inheritance: Autosomal recessive inheritance.
Comment: The p.Arg66Gln variant in GAA has not been previously reported in the literature in individuals with Glycogen Storage Disease II but has been reported as a VUS by Invitae and Illumina and a likely benign variant by GeneDx in ClinVar (Variation ID: 325775). This variant has been identified in 0.020% (4/19680) of East Asian chromosomes, 0.014% (5/35104) of Latino chromosomes, and 0.002% (2/125336) of European (non-Finnish) chromosomes by the Genome Aggregation Database (gnomAD; dbSNP rs200202628). Although this variant has been seen in the general population, its frequency is low enough to be consistent with a recessive carrier frequency. Computational prediction tools and conservation analyses suggest that this variant may not impact the protein, though this information is not predictive enough to rule out pathogenicity. The Arginine (Arg) at position 66 is not highly conserved in mammals and evolutionary distant species, and 33 species (including Gibbon, Baboon, Rhesus, Prairie Vole, and Chinchilla) carry an Glutamine (Gln), raising the possibility that this change at this position may be tolerated. In summary, the clinical significance of the p.Arg66Gln variant is uncertain. ACMG/AMP Criteria applied: PM2, BP4 (Richards 2015).

Center for Advanced Laboratory Medicine, UC San Diego Health, University of California San Diego
Classification: Likely benign for Cardiomyopathy. Last evaluated: 2019-01-24. Review status: criteria provided, single submitter. Criteria: ACMG Guidelines, 2015. Collection method: clinical testing. Allele origin: germline. Affected: yes. Observed: 1 variant allele.

Natera, Inc.
Classification: Uncertain significance for Glycogen storage disease type II. Last evaluated: 2020-01-24. Review status: no assertion criteria provided. Collection method: clinical testing. Allele origin: germline. Not counted in ClinVar's aggregate classification.